The following is an entry in ClinVar:

NM_000414.4(HSD17B4):c.2146G>T (p.Ala716Ser)

Gene: HSD17B4 (hydroxysteroid 17-beta dehydrogenase 4; plus strand). Cytogenetic location: 5q23.1.
Variant type: single nucleotide variant.
Coding change: c.2146G>T on transcript NM_000414.4 (MANE Select); coding-DNA position 2146, G replaced by T.
Protein change: p.Ala716Ser; replaces alanine 716 with serine.
Molecular consequence: missense variant. On other transcripts: non-coding transcript variant (2).
Genome position (GRCh38, 1-based): chr5:119,541,929, G>T. VCF-style: chr5-119541929-G-T. GRCh37 (hg19) VCF-style: chr5-118877624-G-T.
Other names: c.2221G>T, p.Ala741Ser (NM_001199291.3); c.2092G>T, p.Ala698Ser (NM_001199292.2); c.2074G>T, p.Ala692Ser (NM_001292027.2, NM_001374498.1); c.1726G>T, p.Ala576Ser (NM_001292028.2); c.2137G>T, p.Ala713Ser (NM_001374497.1); c.1819G>T, p.Ala607Ser (NM_001374499.1); c.1705G>T, p.Ala569Ser (NM_001374500.1); c.1735G>T, p.Ala579Ser (NM_001374501.1, NM_001374502.1, NM_001374503.1); short protein forms A569S, A576S, A579S, A607S, A692S, A698S, A713S, A716S.
Identifiers: ClinVar variation 1810016 (VCV001810016.1), dbSNP rs1288272188, ClinGen allele CA360872509.
Genomic context (GRCh38, chr5:119,541,929, plus strand): 5'-AACAGTTGGCACTCTTTTTCCCTCCTCTCCTTGCAGGCATTCTTTAGTGGCAGGCTGAAG[G>T]CCAGAGGGAACATCATGCTGAGCCAGAAACTTCAGATGATTCTTAAAGACTACGCCAAGC-3'
Protein context (NP_000405.1, residues 706-726): QKAFFSGRLK[Ala716Ser]RGNIMLSQKL

ClinVar aggregate classification (germline): Uncertain significance (1 of 4 stars; one submission).

Submission:

GeneDx
Classification: Uncertain significance. Last evaluated: 2022-06-29. Review status: criteria provided, single submitter. Criteria: GeneDx Variant Classification Process June 2021. Collection method: clinical testing. Allele origin: germline. Affected: yes.
Comment: Not observed at significant frequency in large population cohorts (gnomAD); In silico analysis supports that this missense variant does not alter protein structure/function; Has not been previously published as pathogenic or benign to our knowledge